The following is an entry in ClinVar:

NM_000455.5(STK11):c.842del (p.Pro281fs)

Gene: STK11 (serine/threonine kinase 11; plus strand). Cytogenetic location: 19p13.3.
Variant type: Deletion.
Coding change: c.842del on transcript NM_000455.5 (MANE Select); coding-DNA position 842, one base deleted (C; older notation c.842delC).
Protein change: p.Pro281fs; shifts the reading frame from proline 281.
Molecular consequence: frameshift variant.
Genome position (GRCh38, 1-based): chr19:1,221,320, C deleted; the last of 6 consecutive C bases (chr19:1,221,315-1,221,320); deleting any one gives the same sequence. VCF-style (leftmost placement, unchanged base first): chr19-1221314-GC-G. GRCh37 (hg19) VCF-style: chr19-1221313-GC-G.
Other names: c.842del (NM_000455.4); c.842delC (NM_000455.4); short protein forms P281fs.
Identifiers: ClinVar variation 192227 (VCV000192227.17), dbSNP rs121913321, ClinGen allele CA023307.

ClinVar aggregate classification (germline): Pathogenic. Review status: criteria provided, multiple submitters, no conflicts (2 of 4 stars). 7 submissions from 7 submitters: Pathogenic (6). 1 of the submissions does not count toward it. Last evaluated 2024-06-15.

Conditions:
Familial ovarian cancer. Identifiers: MedGen C5679802, MONDO:0016248.
Melanoma. Identifiers: MedGen C0025202, MeSH D008545, MONDO:0005105, HP:0002861.
Hereditary cancer-predisposing syndrome. Also called: Hereditary Cancer Syndrome; Tumor predisposition; Hereditary neoplastic syndrome; Neoplastic Syndromes, Hereditary. Identifiers: Orphanet 140162, MedGen C0027672, MeSH D009386, MONDO:0015356.
Peutz-Jeghers syndrome (PJS). Also called: POLYPOSIS, HAMARTOMATOUS INTESTINAL; POLYPS-AND-SPOTS SYNDROME; Peutz-Jeghers polyposis; Periorificial lentiginosis syndrome. Identifiers: Orphanet 2869, MedGen C0031269, MeSH D010580, MONDO:0008280, OMIM 175200.

Submissions (7):

Labcorp Genetics (formerly Invitae), Labcorp
Classification: Pathogenic for Peutz-Jeghers syndrome. Last evaluated: 2024-06-15. Review status: criteria provided, single submitter. Criteria: Invitae Variant Classification Sherloc (09022015). Collection method: clinical testing. Allele origin: germline.
Comment: This sequence change creates a premature translational stop signal (p.Pro281Argfs*6) in the STK11 gene. It is expected to result in an absent or disrupted protein product. Loss-of-function variants in STK11 are known to be pathogenic (PMID: 15188174, 16287113). This variant is not present in population databases (gnomAD no frequency). This premature translational stop signal has been observed in individual(s) with Peutz-Jeghers syndrome (PMID: 9760200, 10353780, 17319781, 20435009). ClinVar contains an entry for this variant (Variation ID: 192227). For these reasons, this variant has been classified as Pathogenic.

Myriad Genetics, Inc.
Classification: Pathogenic for Peutz-Jeghers syndrome. Last evaluated: 2024-02-12. Review status: criteria provided, single submitter. Criteria: Myriad Autosomal Dominant, Autosomal Recessive and X-Linked Classification Criteria (2023). Collection method: clinical testing. Allele origin: unknown.
Comment: This variant is considered pathogenic. This variant creates a frameshift predicted to result in premature protein truncation.

Genome-Nilou Lab
Classification: Pathogenic for Peutz-Jeghers syndrome. Last evaluated: 2021-07-15. Review status: criteria provided, single submitter. Criteria: ACMG Guidelines, 2015. Collection method: clinical testing. Allele origin: germline. Affected: no.

Ambry Genetics
Classification: Pathogenic for Hereditary cancer-predisposing syndrome. Last evaluated: 2021-06-04. Review status: criteria provided, single submitter. Criteria: Ambry Variant Classification Scheme 2023. Collection method: clinical testing. Allele origin: germline.
Comment: The c.842delC pathogenic mutation, located in coding exon 6 of the STK11 gene, results from a deletion of one nucleotide at nucleotide position 842, causing a translational frameshift with a predicted alternate stop codon (p.P281Rfs*6). This mutation has been detected in multiple Peutz&ndash;Jeghers syndrome (PJS) families (Nakagawa H et al. Hum Genet, 1998 Aug;103:168-72; Wang ZJ et al. J Med Genet, 1999 May;36:365-8; De Rosa M et al. Gastroenterology, 2010 Jun;138:2558-60). In addition to the clinical data presented in the literature, this alteration is expected to result in loss of function by premature protein truncation or nonsense-mediated mRNA decay. As such, this alteration is interpreted as a disease-causing mutation.

Department of Pathology and Laboratory Medicine, Sinai Health System
Classification: Pathogenic for familial ovarian cancer. Last evaluated: 2020-07-21. Review status: criteria provided, single submitter. Criteria: ACMG Guidelines, 2015. Collection method: clinical testing. Allele origin: germline. Affected: yes.

Pathway Genomics
Classification: Pathogenic for Peutz-Jeghers syndrome. Last evaluated: 2014-10-30. Review status: criteria provided, single submitter. Criteria: ACMG Guidelines, 2015. Collection method: clinical testing. Allele origin: germline.

Key Laboratory of Carcinogenesis and Cancer Invasion, Central South University
Classification: Likely pathogenic for Melanoma. Review status: no assertion criteria provided. Collection method: clinical testing. Allele origin: somatic. Affected: no. Not counted in ClinVar's aggregate classification.

Literature cited by the submitters: PubMed 15188174 (cited by Labcorp Genetics (formerly Invitae), Labcorp); PubMed 16287113 (cited by Labcorp Genetics (formerly Invitae), Labcorp); PubMed 9760200 (cited by 4 submitters); PubMed 10353780 (cited by 4 submitters); PubMed 17319781 (cited by 3 submitters); PubMed 20435009 (cited by 4 submitters).